The following is an entry in ClinVar:

NM_015102.5(NPHP4):c.2250C>T (p.Asp750=)

Gene: NPHP4 (nephrocystin 4; minus strand). Cytogenetic location: 1p36.31.
Variant type: single nucleotide variant.
Coding change: c.2250C>T on transcript NM_015102.5 (MANE Select); coding-DNA position 2250, C replaced by T.
Protein change: p.Asp750=; no amino-acid change (aspartic acid 750 retained).
Molecular consequence: synonymous variant. On other transcripts: non-coding transcript variant (1).
Genome position (GRCh38, 1-based): chr1:5,890,922, G>A on the plus strand (C>T on the coding strand, the complement: NPHP4 is on the minus strand). VCF-style: chr1-5890922-G-A. GRCh37 (hg19) VCF-style: chr1-5950982-G-A.
Other names: c.711C>T, p.Asp237= (NM_001291593.2); c.714C>T, p.Asp238= (NM_001291594.2).
Identifiers: ClinVar variation 502357 (VCV000502357.18), dbSNP rs201090359, ClinGen allele CA554226.
Genomic context (GRCh38, chr1:5,890,922, plus strand): 5'-CGCTACCTTCATCTGGACGGCAGCAGATCCGATGAGCAGCAGGGAGTCTCCGTCCCAGAC[G>A]TCAATCTGCAGGGTCTGCACGGCCAGGTAGCGGGCAAAGCAGCGCCGCTCACCTGGCTTC-3'
Protein context (NP_055917.1, residues 740-760): RYLAVQTLQI[Asp750=]VWDGDSLLLI

ClinVar aggregate classification (germline): Conflicting classifications of pathogenicity. Review status: criteria provided, conflicting classifications (1 of 4 stars). 4 submissions from 4 submitters: Uncertain significance (1); Likely benign (2). 1 of the submissions does not count toward it. Last evaluated 2025-10-08.

Conditions:
NPHP4-related disorder. Also called: NPHP4-related condition; NPHP4-related disorders. Identifiers: MedGen CN239384.
Nephronophthisis. Also called: Juvenile Nephronophthisis. Identifiers: Orphanet 655, MedGen C0687120, MONDO:0019005, HP:0000090.

Allele frequency attached by ClinVar (database versions not stated): TOPMed 0.00026; ESP Exome Variant Server 0.00032.
gnomAD v4.1: 467 of 1,610,046 alleles (0.029%); highest among the groups gnomAD compares: Non-Finnish European, 0.038%; 1 homozygote.

Submissions (4):

Labcorp Genetics (formerly Invitae), Labcorp
Classification: Likely benign for Nephronophthisis. Last evaluated: 2025-10-08. Review status: criteria provided, single submitter. Criteria: Invitae Variant Classification Sherloc (09022015). Collection method: clinical testing. Allele origin: germline.

Blueprint Genetics
Classification: Likely benign. Last evaluated: 2024-05-16. Review status: criteria provided, single submitter. Criteria: ACMG Guidelines, 2015. Collection method: clinical testing. Allele origin: germline.

Eurofins Ntd Llc (ga)
Classification: Uncertain significance. Last evaluated: 2018-06-07. Review status: criteria provided, single submitter. Criteria: EGL ClinVar v180209 classification definitions. Collection method: clinical testing. Allele origin: germline. Observed: 4 variant alleles, 4 heterozygotes.

PreventionGenetics, part of Exact Sciences
Classification: Likely benign for NPHP4-related condition. Last evaluated: 2019-06-05. Review status: no assertion criteria provided. Collection method: clinical testing. Allele origin: germline. Not counted in ClinVar's aggregate classification.
Comment: This variant is classified as likely benign based on ACMG/AMP sequence variant interpretation guidelines (Richards et al. 2015 PMID: 25741868, with internal and published modifications).